The following is an entry in ClinVar:

NM_015046.7(SETX):c.4327G>A (p.Asp1443Asn)

Gene: SETX (senataxin; minus strand). Cytogenetic location: 9q34.13.
Variant type: single nucleotide variant.
Coding change: c.4327G>A on transcript NM_015046.7 (MANE Select); coding-DNA position 4327, G replaced by A.
Protein change: p.Asp1443Asn; replaces aspartic acid 1443 with asparagine.
Molecular consequence: missense variant.
Genome position (GRCh38, 1-based): chr9:132,327,271, C>T on the plus strand (G>A on the coding strand, the complement: SETX is on the minus strand). VCF-style: chr9-132327271-C-T. GRCh37 (hg19) VCF-style: chr9-135202658-C-T.
Other names: c.4327G>A, p.Asp1443Asn (NM_001351527.2, NM_001351528.2); short protein forms D1443N.
Identifiers: ClinVar variation 2940290 (VCV002940290.3), dbSNP rs911819192, ClinGen allele CA200807109.

ClinVar aggregate classification (germline): Uncertain significance (1 of 4 stars; one submission).

Conditions:
Amyotrophic lateral sclerosis type 4 (ALS4). Also called: AMYOTROPHIC LATERAL SCLEROSIS 4, JUVENILE; NEURONOPATHY, DISTAL HEREDITARY MOTOR, WITH PYRAMIDAL FEATURES. Identifiers: Orphanet 357043, MedGen C1865409, MONDO:0011223, OMIM 602433.
Spinocerebellar ataxia, autosomal recessive, with axonal neuropathy 2 (SCAN2). Also called: ATAXIA-OCULOMOTOR APRAXIA 2; Ataxia-ocular apraxia-2; Ataxia with Oculomotor Apraxia Type 2; Ataxia with Oculomotor Apraxia. Identifiers: Orphanet 64753, MedGen C1853761, MONDO:0018996, OMIM 606002.

Allele frequency attached by ClinVar (database versions not stated): TOPMed below 0.00001.

Submission:

Labcorp Genetics (formerly Invitae), Labcorp
Classification: Uncertain significance for Amyotrophic lateral sclerosis type 4; Spinocerebellar ataxia, autosomal recessive, with axonal neuropathy 2. Last evaluated: 2023-12-21. Review status: criteria provided, single submitter. Criteria: Invitae Variant Classification Sherloc (09022015). Collection method: clinical testing. Allele origin: germline.
Comment: This sequence change replaces aspartic acid, which is acidic and polar, with asparagine, which is neutral and polar, at codon 1443 of the SETX protein (p.Asp1443Asn). This variant is not present in population databases (gnomAD no frequency). This variant has not been reported in the literature in individuals affected with SETX-related conditions. Advanced modeling of protein sequence and biophysical properties (such as structural, functional, and spatial information, amino acid conservation, physicochemical variation, residue mobility, and thermodynamic stability) performed at Invitae indicates that this missense variant is not expected to disrupt SETX protein function with a negative predictive value of 95%. In summary, the available evidence is currently insufficient to determine the role of this variant in disease. Therefore, it has been classified as a Variant of Uncertain Significance.